The following is an entry in ClinVar:

NM_001134363.3(RBM20):c.*1539G>A

Gene: RBM20 (RNA binding motif protein 20; plus strand). Cytogenetic location: 10q25.2.
Variant type: single nucleotide variant.
Coding change: c.*1539G>A on transcript NM_001134363.3 (MANE Select); 1539 bases downstream of the stop codon, G replaced by A.
Molecular consequence: 3 prime UTR variant.
Genome position (GRCh38, 1-based): chr10:110,837,517, G>A. VCF-style: chr10-110837517-G-A. GRCh37 (hg19) VCF-style: chr10-112597275-G-A.
Other names: c.*1539G>A (LRG_382t1).
Identifiers: ClinVar variation 298831 (VCV000298831.5), dbSNP rs552540113, ClinGen allele CA10634618.

ClinVar aggregate classification (germline): Likely benign (1 of 4 stars; one submission).

Conditions:
Dilated cardiomyopathy 1DD (CMD1DD). Identifiers: Orphanet 154, MedGen C2750995, MONDO:0013168, OMIM 613172.

Allele frequency attached by ClinVar (database versions not stated): gnomAD 0.00008 and 0.00163; TOPMed 0.00034; 1000 Genomes Project 0.01098; 1000 Genomes Project 30x 0.01171.

Submission:

Illumina Laboratory Services, Illumina
Classification: Likely benign for Dilated cardiomyopathy 1DD. Last evaluated: 2018-01-13. Review status: criteria provided, single submitter. Criteria: ICSL Variant Classification Criteria 13 December 2019. Collection method: clinical testing. Allele origin: germline.
Comment: This variant was observed in the ICSL laboratory as part of a predisposition screen in an ostensibly healthy population. It had not been previously curated by ICSL or reported in the Human Gene Mutation Database (HGMD: prior to June 1st, 2018), and was therefore a candidate for classification through an automated scoring system. Utilizing variant allele frequency, disease prevalence and penetrance estimates, and inheritance mode, an automated score was calculated to assess if this variant is too frequent to cause the disease. Based on the score and internal cut-off values, a variant classified as likely benign is not then subjected to further curation. The score for this variant resulted in a classification of likely benign for this disease.